The following is an entry in ClinVar:

NM_004544.4(NDUFA10):c.622G>C (p.Asp208His)

Gene: NDUFA10 (NADH:ubiquinone oxidoreductase subunit A10; minus strand). Cytogenetic location: 2q37.3.
Variant type: single nucleotide variant.
Coding change: c.622G>C on transcript NM_004544.4 (MANE Select); coding-DNA position 622, G replaced by C.
Protein change: p.Asp208His; replaces aspartic acid 208 with histidine.
Molecular consequence: missense variant. On other transcripts: non-coding transcript variant (4).
Genome position (GRCh38, 1-based): chr2:240,014,786, C>G on the plus strand (G>C on the coding strand, the complement: NDUFA10 is on the minus strand). VCF-style: chr2-240014786-C-G. GRCh37 (hg19) VCF-style: chr2-240954203-C-G.
Other names: p.D208H:GAT>CAT; c.622G>C, p.Asp208His (NM_001322019.2, NM_001322020.2); short protein forms D208H.
Identifiers: ClinVar variation 214704 (VCV000214704.2), dbSNP rs200387097, ClinGen allele CA323163.
Genomic context (GRCh38, chr2:240,014,786, plus strand): 5'-AAAACTGCATTACATCTCCTTTCTTCTGAATCCGCCTCTGGACCTCTGGAACGGGCACAT[C>G]GATGTAAATCACCAGGTGGGGGGGCAGGTAATCGCAGATGGTGACGCTCTTCACCTCGTT-3'
Protein context (NP_004535.1, residues 198-218): YLPPHLVIYI[Asp208His]VPVPEVQRRI

ClinVar aggregate classification (germline): Uncertain significance (1 of 4 stars; one submission).

Allele frequency attached by ClinVar (database versions not stated): TOPMed 0.00002.
gnomAD v4.1: 34 of 1,614,040 alleles (0.0021%); highest among the groups gnomAD compares: Non-Finnish European, 0.0027%; no homozygotes.

Submission:

GeneDx
Classification: Uncertain significance. Last evaluated: 2017-04-18. Review status: criteria provided, single submitter. Criteria: GeneDx Variant Classification (06012015). Collection method: clinical testing. Allele origin: germline. Affected: yes.
Comment: The D208H variant has not been published as a pathogenic, nora benign variant to our knowledge. The amino acid change is non-conservative in that Aspartic acid is a negatively charged amino acid and Histidine is a positively charged amino acid. This change occurs at a position in the NDUFA10 protein that is highly conserved. In-silico analyses predict that D208H is damaging to the NDUFA10 protein. Therefore, based on the currently available information, it is unclear whether this variant is a pathogenic variant or a rare benign variant.